The following is an entry in ClinVar:

NM_015559.3(SETBP1):c.768C>T (p.Pro256=)

Gene: SETBP1 (SET binding protein 1; plus strand). Cytogenetic location: 18q12.3.
Variant type: single nucleotide variant.
Coding change: c.768C>T on transcript NM_015559.3 (MANE Select); coding-DNA position 768, C replaced by T.
Protein change: p.Pro256=; no amino-acid change (proline 256 retained).
Molecular consequence: synonymous variant.
Genome position (GRCh38, 1-based): chr18:44,950,108, C>T. VCF-style: chr18-44950108-C-T. GRCh37 (hg19) VCF-style: chr18-42530073-C-T.
Other names: p.Pro256=.
Identifiers: ClinVar variation 724703 (VCV000724703.36), dbSNP rs141858699, ClinGen allele CA8945497.
Genomic context (GRCh38, chr18:44,950,108, plus strand): 5'-CATCAGTCCAGAGTCTGGCAGAGAAACTGCAAGCACCAGCAAGATCCCCGCTCTTGAGCC[C>T]GTGGCTTCCTTTGCAAAGGCCCAGGGTAAGAAAGGCAGTGCAGGGAACACGTGGAGTCAG-3'
Protein context (NP_056374.2, residues 246-266): ASTSKIPALE[Pro256=]VASFAKAQGK

ClinVar aggregate classification (germline): Likely benign. Review status: criteria provided, multiple submitters, no conflicts (2 of 4 stars). 5 submissions from 5 submitters: Likely benign (5). Last evaluated 2026-02-02.

Conditions:
SETBP1-related disorder. Also called: SETBP1-related condition; SETBP1-related disorders.

Allele frequency attached by ClinVar (database versions not stated): ESP Exome Variant Server 0.00015; gnomAD 0.00015 and 0.00016; TOPMed 0.00018; ExAC 0.00020; gnomAD exomes 0.00020 and 0.00024.
gnomAD v4.1: 377 of 1,613,948 alleles (0.023%); highest among the groups gnomAD compares: Non-Finnish European, 0.029%; no homozygotes.

Submissions (5):

Labcorp Genetics (formerly Invitae), Labcorp
Classification: Likely benign. Last evaluated: 2026-02-02. Review status: criteria provided, single submitter. Criteria: Invitae Variant Classification Sherloc (09022015). Collection method: clinical testing. Allele origin: germline.

Mayo Clinic Laboratories, Mayo Clinic
Classification: Likely benign. Last evaluated: 2025-03-17. Review status: criteria provided, single submitter. Criteria: ACMG Guidelines, 2015. Collection method: clinical testing. Allele origin: germline. Observed: 1 variant allele.
Comment: BP4, BP7

PreventionGenetics, part of Exact Sciences
Classification: Likely benign for SETBP1-related condition. Last evaluated: 2025-01-10. Review status: criteria provided, single submitter. Criteria: ACMG Guidelines, 2015. Collection method: clinical testing. Allele origin: germline.
Comment: This variant is classified as likely benign based on ACMG/AMP sequence variant interpretation guidelines (Richards et al. 2015 PMID: 25741868, with internal and published modifications).

CeGaT Center for Human Genetics Tuebingen
Classification: Likely benign. Last evaluated: 2022-07-01. Review status: criteria provided, single submitter. Criteria: CeGaT Center For Human Genetics Tuebingen Variant Classification Criteria Version 2. Collection method: clinical testing. Allele origin: germline. Affected: yes. Observed: 1 variant allele.
Comment: SETBP1: BP4, BP7

GeneDx
Classification: Likely benign. Last evaluated: 2021-02-19. Review status: criteria provided, single submitter. Criteria: GeneDx Variant Classification Process June 2021. Collection method: clinical testing. Allele origin: germline. Affected: yes.